The following is an entry in ClinVar:

ClinVar aggregate classification (germline): Uncertain significance. Review status: criteria provided, multiple submitters, no conflicts (2 of 4 stars). 3 submissions from 3 submitters: Uncertain significance (3). Last evaluated 2024-06-07.

Conditions:
Prolidase deficiency. Identifiers: Orphanet 742, MedGen C0268532, MONDO:0008221, OMIM 170100.

Allele frequency attached by ClinVar (database versions not stated): gnomAD 0.00001; TOPMed 0.00004; ESP Exome Variant Server 0.00008; gnomAD exomes 0.00008; ExAC 0.00011.
gnomAD v4.1: 50 of 1,588,394 alleles (0.0031%); highest among the groups gnomAD compares: Admixed American, 0.023%; no homozygotes.

Submissions (3):

Blueprint Genetics
Classification: Uncertain significance. Last evaluated: 2024-06-07. Review status: criteria provided, single submitter. Criteria: ACMG Guidelines, 2015. Collection method: clinical testing. Allele origin: germline.

Genomic Medicine Center of Excellence, King Faisal Specialist Hospital and Research Centre
Classification: Uncertain significance for Prolidase deficiency. Last evaluated: 2024-03-29. Review status: criteria provided, single submitter. Criteria: ACMG Guidelines, 2015. Collection method: clinical testing. Allele origin: germline.

Labcorp Genetics (formerly Invitae), Labcorp
Classification: Uncertain significance. Last evaluated: 2022-08-11. Review status: criteria provided, single submitter. Criteria: Invitae Variant Classification Sherloc (09022015). Collection method: clinical testing. Allele origin: germline.
Comment: This sequence change replaces arginine, which is basic and polar, with tryptophan, which is neutral and slightly polar, at codon 233 of the PEPD protein (p.Arg233Trp). The frequency data for this variant in the population databases is considered unreliable, as metrics indicate poor data quality at this position in the gnomAD database. This variant has not been reported in the literature in individuals affected with PEPD-related conditions. ClinVar contains an entry for this variant (Variation ID: 1421556). Algorithms developed to predict the effect of missense changes on protein structure and function are either unavailable or do not agree on the potential impact of this missense change (SIFT: "Deleterious"; PolyPhen-2: "Possibly Damaging"; Align-GVGD: "Class C0"). In summary, the available evidence is currently insufficient to determine the role of this variant in disease. Therefore, it has been classified as a Variant of Uncertain Significance.

NM_000285.4(PEPD):c.697C>T (p.Arg233Trp)

Gene: PEPD (peptidase D; minus strand). Cytogenetic location: 19q13.11.
Variant type: single nucleotide variant.
Coding change: c.697C>T on transcript NM_000285.4 (MANE Select); coding-DNA position 697, C replaced by T.
Protein change: p.Arg233Trp; replaces arginine 233 with tryptophan.
Molecular consequence: missense variant.
Genome position (GRCh38, 1-based): chr19:33,413,618, G>A on the plus strand (C>T on the coding strand, the complement: PEPD is on the minus strand). VCF-style: chr19-33413618-G-A. GRCh37 (hg19) VCF-style: chr19-33904524-G-A.
Other names: c.574C>T, p.Arg192Trp (NM_001166056.2); c.505C>T, p.Arg169Trp (NM_001166057.2); short protein forms R169W, R233W, R192W.
Identifiers: ClinVar variation 1421556 (VCV001421556.7), dbSNP rs371953949, ClinGen allele CA9364182.